The following is an entry in ClinVar:

ClinVar aggregate classification (germline): Uncertain significance. Review status: criteria provided, multiple submitters, no conflicts (2 of 4 stars). 2 submissions from 2 submitters: Uncertain significance (2). Last evaluated 2024-10-02.

Conditions:
Hereditary cancer-predisposing syndrome. Also called: Neoplastic Syndromes, Hereditary; Tumor predisposition; Hereditary Cancer Syndrome; Hereditary neoplastic syndrome. Identifiers: Orphanet 140162, MedGen C0027672, MeSH D009386, MONDO:0015356.
Familial cancer of breast. Also called: BREAST CANCER, FAMILIAL; Hereditary breast cancer; hereditary breast carcinoma. Identifiers: Orphanet 227535, MedGen C0346153, MONDO:0016419, OMIM 114480. Disease mechanism: loss of function.

Allele frequency attached by ClinVar (database versions not stated): gnomAD exomes below 0.00001.
gnomAD v4.1: 1 of 1,614,196 alleles (0.000062%); highest among the groups gnomAD compares: Middle Eastern, 0.017%; no homozygotes.

Submissions (2):

Ambry Genetics
Classification: Uncertain significance for Hereditary cancer-predisposing syndrome. Last evaluated: 2024-10-02. Review status: criteria provided, single submitter. Criteria: Ambry Variant Classification Scheme 2023. Collection method: clinical testing. Allele origin: germline.
Comment: The p.K443R variant (also known as c.1328A>G), located in coding exon 4 of the PALB2 gene, results from an A to G substitution at nucleotide position 1328. The lysine at codon 443 is replaced by arginine, an amino acid with highly similar properties. This amino acid position is well conserved in available vertebrate species. In addition, this alteration is predicted to be tolerated by in silico analysis. Since supporting evidence is limited at this time, the clinical significance of this alteration remains unclear.

Labcorp Genetics (formerly Invitae), Labcorp
Classification: Uncertain significance for Familial cancer of breast. Last evaluated: 2023-12-17. Review status: criteria provided, single submitter. Criteria: Invitae Variant Classification Sherloc (09022015). Collection method: clinical testing. Allele origin: germline.
Comment: This sequence change replaces lysine, which is basic and polar, with arginine, which is basic and polar, at codon 443 of the PALB2 protein (p.Lys443Arg). This variant is not present in population databases (gnomAD no frequency). This variant has not been reported in the literature in individuals affected with PALB2-related conditions. ClinVar contains an entry for this variant (Variation ID: 141002). Advanced modeling of protein sequence and biophysical properties (such as structural, functional, and spatial information, amino acid conservation, physicochemical variation, residue mobility, and thermodynamic stability) performed at Invitae indicates that this missense variant is not expected to disrupt PALB2 protein function with a negative predictive value of 80%. In summary, the available evidence is currently insufficient to determine the role of this variant in disease. Therefore, it has been classified as a Variant of Uncertain Significance.

NM_024675.4(PALB2):c.1328A>G (p.Lys443Arg)

Gene: PALB2 (partner and localizer of BRCA2; minus strand). Cytogenetic location: 16p12.2.
Variant type: single nucleotide variant.
Coding change: c.1328A>G on transcript NM_024675.4 (MANE Select); coding-DNA position 1328, A replaced by G.
Protein change: p.Lys443Arg; replaces lysine 443 with arginine.
Molecular consequence: missense variant.
Genome position (GRCh38, 1-based): chr16:23,635,218, T>C on the plus strand (A>G on the coding strand, the complement: PALB2 is on the minus strand). VCF-style: chr16-23635218-T-C. GRCh37 (hg19) VCF-style: chr16-23646539-T-C.
Other names: short protein forms K443R.
Identifiers: ClinVar variation 141002 (VCV000141002.17), dbSNP rs587781429, ClinGen allele CA164185.
Genomic context (GRCh38, chr16:23,635,218, plus strand): 5'-ATTTCACTTTGGTCAGTTTCCTCATTGGAAAGGTTTAAATTTTTACTTGCATCCTTATTT[T>C]TATTTTTAAACCCTTTTTTCTTGACATCCAAATGACTCTGAATGACAGCCTCCACGGCTA-3'
Protein context (NP_078951.2, residues 433-453): LDVKKKGFKN[Lys443Arg]NKDASKNLNL